The following is an entry in ClinVar:

ClinVar aggregate classification (germline): Benign. Review status: criteria provided, multiple submitters, no conflicts (2 of 4 stars). 13 submissions from 13 submitters: Benign (12). 1 of the submissions does not count toward it. Last evaluated 2026-02-04.

Conditions:
Ataxia-telangiectasia-like disorder (ATLD). Identifiers: MedGen C1858391, MONDO:0011457.
Hereditary cancer-predisposing syndrome. Also called: Tumor predisposition; Hereditary neoplastic syndrome; Neoplastic Syndromes, Hereditary; Hereditary Cancer Syndrome. Identifiers: Orphanet 140162, MedGen C0027672, MeSH D009386, MONDO:0015356.
Ataxia-telangiectasia-like disorder 1 (ATLD1). Identifiers: Orphanet 251347, MedGen C4012790, MONDO:0024557, OMIM 604391.
Hereditary breast ovarian cancer syndrome. Also called: Hereditary breast and ovarian cancer syndrome; Hereditary breast and ovarian cancer syndrome (HBOC); Breast and ovarian cancer; BRCA1- and BRCA2-Associated Hereditary Breast and Ovarian Cancer; Hereditary breast and ovarian cancer; Hereditary breast and/or ovarian cancer syndrome. Identifiers: Orphanet 145, MedGen C0677776, MeSH D061325, MONDO:0003582. Disease mechanism: loss of function.

Allele frequency attached by ClinVar (database versions not stated): ESP Exome Variant Server 0.26958; gnomAD 0.28996 and 0.29546; TOPMed 0.29367; 1000 Genomes Project 30x 0.31121; 1000 Genomes Project 0.31310; ExAC 0.32523; gnomAD exomes 0.33407.
gnomAD v4.1: 499,310 of 1,611,268 alleles (31%); highest among the groups gnomAD compares: Admixed American, 41%; 79,257 homozygotes.

Submissions (13):

Labcorp Genetics (formerly Invitae), Labcorp
Classification: Benign for Ataxia-telangiectasia-like disorder. Last evaluated: 2026-02-04. Review status: criteria provided, single submitter. Criteria: Invitae Variant Classification Sherloc (09022015). Collection method: clinical testing. Allele origin: germline.

GeneKor MSA
Classification: Benign for Hereditary cancer-predisposing syndrome. Last evaluated: 2025-07-10. Review status: criteria provided, single submitter. Criteria: ACMG Guidelines, 2015. Collection method: clinical testing. Allele origin: germline.

Blueprint Genetics
Classification: Benign. Last evaluated: 2024-11-27. Review status: criteria provided, single submitter. Criteria: ACMG Guidelines, 2015. Collection method: clinical testing. Allele origin: germline.

KCCC/NGS Laboratory, Kuwait Cancer Control Center
Classification: Benign for Ataxia-telangiectasia-like disorder 1. Last evaluated: 2023-07-07. Review status: criteria provided, single submitter. Criteria: ACMG Guidelines, 2015. Collection method: clinical testing. Allele origin: germline. Affected: yes.

National Health Laboratory Service, Universitas Academic Hospital and University of the Free State
Classification: Benign for Hereditary breast ovarian cancer syndrome. Last evaluated: 2022-04-19. Review status: criteria provided, single submitter. Criteria: ACMG Guidelines, 2015. Collection method: clinical testing. Allele origin: germline. Affected: yes. Observed: 120 variant alleles.

Mayo Clinic Laboratories, Mayo Clinic
Classification: Benign. Last evaluated: 2022-03-24. Review status: criteria provided, single submitter. Criteria: ACMG Guidelines, 2015. Collection method: clinical testing. Allele origin: germline. Observed: 258 variant alleles.

Illumina Laboratory Services, Illumina
Classification: Benign for Ataxia-telangiectasia-like disorder 1. Last evaluated: 2018-01-12. Review status: criteria provided, single submitter. Criteria: ICSL Variant Classification Criteria 13 December 2019. Collection method: clinical testing. Allele origin: germline.
Comment: This variant was observed in the ICSL laboratory as part of a predisposition screen in an ostensibly healthy population. It had not been previously curated by ICSL or reported in the Human Gene Mutation Database (HGMD: prior to June 1st, 2018), and was therefore a candidate for classification through an automated scoring system. Utilizing variant allele frequency, disease prevalence and penetrance estimates, and inheritance mode, an automated score was calculated to assess if this variant is too frequent to cause the disease. Based on the score and internal cut-off values, a variant classified as benign is not then subjected to further curation. The score for this variant resulted in a classification of benign for this disease.

Women's Health and Genetics/Laboratory Corporation of America, LabCorp
Classification: Benign. Last evaluated: 2016-05-06. Review status: criteria provided, single submitter. Criteria: LabCorp Variant Classification Summary - May 2015. Collection method: clinical testing. Allele origin: germline.
Comment: Variant summary: The c.403-6G>A variant affects a non-conserved intronic nucleotide. MutationTaster tool predicts benign outcome for this variant. 5/5 splice-tools in Alamut predict that this variant does not affect normal splicing. This variant is found in 39196/120518 control chromosomes (including 6588 homozygotes) from ExAC at a frequency of 0.3252294, which is about 5204 times greater than the maximal expected frequency of a pathogenic allele (0.0000625), suggesting this variant is a common benign polymorphism. One clinical laboratory has classified this variant as likely benign. Taken together, this variant has been classified as Benign.

Laboratory for Molecular Medicine, Mass General Brigham Personalized Medicine
Classification: Benign. Last evaluated: 2016-03-29. Review status: criteria provided, single submitter. Criteria: LMM Criteria. Collection method: clinical testing. Allele origin: germline.
Comment: Variant identified in a genome or exome case(s) and assessed due to predicted null impact of the variant or pathogenic assertions in the literature or databases. Disclaimer: This variant has not undergone full assessment. The following are preliminary notes: Frequency

GeneDx
Classification: Benign. Last evaluated: 2015-03-03. Review status: criteria provided, single submitter. Criteria: GeneDx Variant Classification Process June 2021. Collection method: clinical testing. Allele origin: germline. Affected: yes.

Breakthrough Genomics
Classification: Benign. Review status: criteria provided, single submitter. Criteria: ACMG Guidelines, 2015. Collection method: not provided. Allele origin: germline. Inheritance: Autosomal recessive inheritance. Affected: yes.

PreventionGenetics, part of Exact Sciences
Classification: Benign. Review status: criteria provided, single submitter. Criteria: ACMG Guidelines, 2015. Collection method: clinical testing. Allele origin: germline.

Genetic Services Laboratory, University of Chicago
Classification: Likely benign for AllHighlyPenetrant. Review status: no assertion criteria provided. Collection method: clinical testing. Allele origin: germline. Inheritance: Autosomal recessive inheritance. Not counted in ClinVar's aggregate classification.
Comment: Likely benign based on allele frequency in 1000 Genomes Project or ESP global frequency and its presence in a patient with a rare or unrelated disease phenotype. NOT Sanger confirmed.

NM_005591.4(MRE11):c.403-6G>A

Gene: MRE11 (MRE11 double strand break repair nuclease; minus strand). Cytogenetic location: 11q21.
Variant type: single nucleotide variant.
Coding change: c.403-6G>A on transcript NM_005591.4 (MANE Select); 6 bases into the intron before coding-DNA position 403, G replaced by A.
Molecular consequence: intron variant.
Genome position (GRCh38, 1-based): chr11:94,478,882, C>T on the plus strand (G>A on the coding strand, the complement: MRE11 is on the minus strand). VCF-style: chr11-94478882-C-T. GRCh37 (hg19) VCF-style: chr11-94212048-C-T.
Other names: p.?; c.403-6G>A (NM_001330347.2, NM_005590.4).
Identifiers: ClinVar variation 129623 (VCV000129623.30), dbSNP rs535801, ClinGen allele CA153722.